The following is an entry in ClinVar:

NM_005343.4(HRAS):c.187G>A (p.Glu63Lys)

Genes: HRAS (HRas proto-oncogene, GTPase; minus strand), LRRC56 (leucine rich repeat containing 56; plus strand). Cytogenetic location: 11p15.5.
Variant type: single nucleotide variant.
Coding change: c.187G>A on transcript NM_005343.4 (MANE Select); coding-DNA position 187, G replaced by A.
Protein change: p.Glu63Lys; replaces glutamic acid 63 with lysine.
Molecular consequence: missense variant. On other transcripts: 5 prime UTR variant (1).
Genome position (GRCh38, 1-based): chr11:533,869, C>T on the plus strand (G>A on the coding strand, the complement: HRAS is on the minus strand). VCF-style: chr11-533869-C-T. GRCh37 (hg19) VCF-style: chr11-533869-C-T.
Other names: c.187G>A, p.Glu63Lys (NM_001130442.3, NM_176795.5); c.-133G>A (NM_001318054.2); short protein forms E63K.
Identifiers: ClinVar variation 12608 (VCV000012608.6), dbSNP rs121917756, ClinGen allele CA122551.

ClinVar aggregate classification (germline): Pathogenic. Review status: criteria provided, multiple submitters, no conflicts (2 of 4 stars). 3 submissions from 3 submitters: Pathogenic (2). 1 of the submissions does not count toward it. Last evaluated 2026-06-04.

Conditions:
Myopathy, congenital, with excess of muscle spindles. Identifiers: MedGen C1968782, MONDO:0800299.
Costello syndrome (CSTLO). Also called: FCS SYNDROME; HRAS-Related Costello Syndrome; FACIOCUTANEOSKELETAL SYNDROME. Identifiers: Orphanet 3071, MedGen C0587248, MONDO:0009026, OMIM 218040.

Submissions (3):

Victorian Clinical Genetics Services, Murdoch Childrens Research Institute
Classification: Pathogenic for Costello syndrome. Last evaluated: 2026-06-04. Review status: criteria provided, single submitter. Criteria: ACMG Guidelines, 2015. Collection method: clinical testing. Allele origin: germline. Affected: yes.
Comment: This variant is classified as Pathogenic. Evidence in support of pathogenic classification: Variant is absent from gnomAD (v2, v3 and v4); This variant has strong previous evidence of pathogenicity in unrelated individuals. It has been reported in the literature in at least four individuals, including two de novo events, in individuals described to have congenital myopathy, muscular dystrophy or muscle weakness (PMID: 17412879, 25070542, 26001911; ClinVar); This variant has moderate functional evidence supporting abnormal protein function. Mutagenesis studies have demonstrated a reduction in GTP hydrolysis and subsequent inceased cell proliferation (PMID: 1362901, 8626650); Variant is located in a hotspot region or cluster of pathogenic variants (DECIPHER); Missense variant predicted to be damaging by in silico tool(s) or highly conserved with a major amino acid change; Additional information: Variant is predicted to result in a missense amino acid change from Glu to Lys; This variant is heterozygous; This gene is associated with autosomal dominant disease; Alternative amino acid change(s) at the same position are present in gnomAD (highest allele count: v4: 1 heterozygote(s), 0 homozygote(s)); Gain of function is a known mechanism of disease in this gene and is associated with Costello syndrome, congenital myopathy with excess of muscle spindles type (MIM#218040) (PMID: 31222966); Variants in this gene are known to have variable expressivity (PMID: 20301680).

GeneDx
Classification: Pathogenic. Last evaluated: 2017-03-21. Review status: criteria provided, single submitter. Criteria: GeneDx Variant Classification (06012015). Collection method: clinical testing. Allele origin: germline. Affected: yes.
Comment: The E63K pathogenic variant in the HRAS gene has been reported previously as a de novo variant in several unrelated individuals with congenital myopathy with excess muscle spindles (van der Burgt et al., 2007; Bolocan et al., 2014; Henry et al., 2015). The E63K variant is not observed in large population cohorts (Lek et al., 2016; 1000 Genomes Consortium et al., 2015; Exome Variant Server). The E63K variant is a non-conservative amino acid substitution, which is likely to impact secondary protein structure as these residues differ in polarity, charge, size and/or other properties. This substitution occurs at a position that is conserved across species. Functional studies demonstrate that E63K is associated with reduced intrinsic GTPase activity (Nur-E-Kamal et al., 1992). We interpret E63K as a pathogenic variant.

OMIM
Classification: Pathogenic for MYOPATHY, CONGENITAL, WITH EXCESS OF MUSCLE SPINDLES. Last evaluated: 2007-07-01. Review status: no assertion criteria provided. Collection method: literature only. Allele origin: germline. Not counted in ClinVar's aggregate classification.

Literature cited by the submitters: PubMed 31222966 (cited by Victorian Clinical Genetics Services, Murdoch Childrens Research Institute); PubMed 8626650 (cited by Victorian Clinical Genetics Services, Murdoch Childrens Research Institute); PubMed 1362901 (cited by Victorian Clinical Genetics Services, Murdoch Childrens Research Institute); PubMed 26001911 (cited by Victorian Clinical Genetics Services, Murdoch Childrens Research Institute); PubMed 20301680 (cited by Victorian Clinical Genetics Services, Murdoch Childrens Research Institute); PubMed 17412879 (cited by Victorian Clinical Genetics Services, Murdoch Childrens Research Institute and OMIM); PubMed 25070542 (cited by Victorian Clinical Genetics Services, Murdoch Childrens Research Institute); PubMed 15843272 (cited by OMIM).